The following is an entry in ClinVar:

ClinVar aggregate classification (germline): Uncertain significance (1 of 4 stars; one submission).

Allele frequency attached by ClinVar (database versions not stated): TOPMed 0.00002.
gnomAD v4.1: 3 of 1,613,098 alleles (0.00019%); highest among the groups gnomAD compares: Admixed American, 0.0033%; no homozygotes.

Submission:

Labcorp Genetics (formerly Invitae), Labcorp
Classification: Uncertain significance. Last evaluated: 2024-12-19. Review status: criteria provided, single submitter. Criteria: Invitae Variant Classification Sherloc (09022015). Collection method: clinical testing. Allele origin: germline.
Comment: This sequence change replaces histidine, which is basic and polar, with arginine, which is basic and polar, at codon 274 of the ALPK1 protein (p.His274Arg). This variant is present in population databases (no rsID available, gnomAD 0.009%). This variant has not been reported in the literature in individuals affected with ALPK1-related conditions. ClinVar contains an entry for this variant (Variation ID: 2970253). Invitae Evidence Modeling of protein sequence and biophysical properties (such as structural, functional, and spatial information, amino acid conservation, physicochemical variation, residue mobility, and thermodynamic stability) indicates that this missense variant is not expected to disrupt ALPK1 protein function with a negative predictive value of 80%. In summary, the available evidence is currently insufficient to determine the role of this variant in disease. Therefore, it has been classified as a Variant of Uncertain Significance.

NM_025144.4(ALPK1):c.821A>G (p.His274Arg)

Gene: ALPK1 (alpha kinase 1; plus strand). Cytogenetic location: 4q25.
Variant type: single nucleotide variant.
Coding change: c.821A>G on transcript NM_025144.4 (MANE Select); coding-DNA position 821, A replaced by G.
Protein change: p.His274Arg; replaces histidine 274 with arginine.
Molecular consequence: missense variant.
Genome position (GRCh38, 1-based): chr4:112,429,174, A>G. VCF-style: chr4-112429174-A-G. GRCh37 (hg19) VCF-style: chr4-113350330-A-G.
Other names: c.821A>G, p.His274Arg (NM_001102406.2); c.587A>G, p.His196Arg (NM_001253884.2); short protein forms H274R, H196R.
Identifiers: ClinVar variation 2970253 (VCV002970253.3), dbSNP rs1464150171, ClinGen allele CA357889218.